The following is an entry in ClinVar:

ClinVar aggregate classification (germline): Likely benign. Review status: criteria provided, multiple submitters, no conflicts (2 of 4 stars). 2 submissions from 2 submitters: Likely benign (2). Last evaluated 2023-05-04.

Conditions:
Malignant hyperthermia, susceptibility to, 5 (MHS5). Also called: CACNA1S-Related Malignant Hyperthermia Susceptibility. Identifiers: Orphanet 423, MedGen C1866077, MONDO:0011163, OMIM 601887.

gnomAD v4.1: 8 of 1,613,514 alleles (0.0005%); highest among the groups gnomAD compares: Non-Finnish European, 0.00059%; no homozygotes.

Submissions (2):

All of Us Research Program, National Institutes of Health
Classification: Likely benign for Malignant hyperthermia, susceptibility to, 5. Last evaluated: 2023-05-04. Review status: criteria provided, single submitter. Criteria: ACMG Guidelines, 2015. Collection method: clinical testing. Allele origin: germline. Inheritance: Autosomal dominant inheritance. Observed: 1 variant allele, 1 heterozygote.
Comment: This study involves interpretation of variants in research participants for the purpose of population health screening. Participant phenotype was not available at the time of variant classification. Additional details can be found in publication PMID: 35346344, PMCID: PMC8962531

Color Diagnostics, LLC DBA Color Health
Classification: Likely benign for Malignant hyperthermia, susceptibility to, 5. Last evaluated: 2022-11-06. Review status: criteria provided, single submitter. Criteria: ACMG Guidelines, 2015. Collection method: clinical testing. Allele origin: germline.

NM_000069.3(CACNA1S):c.1056G>A (p.Lys352=)

Gene: CACNA1S (calcium voltage-gated channel subunit alpha1 S; minus strand). Cytogenetic location: 1q32.1.
Variant type: single nucleotide variant.
Coding change: c.1056G>A on transcript NM_000069.3 (MANE Select); coding-DNA position 1056, G replaced by A.
Protein change: p.Lys352=; no amino-acid change (lysine 352 retained).
Molecular consequence: synonymous variant.
Genome position (GRCh38, 1-based): chr1:201,085,530, C>T on the plus strand (G>A on the coding strand, the complement: CACNA1S is on the minus strand). VCF-style: chr1-201085530-C-T. GRCh37 (hg19) VCF-style: chr1-201054658-C-T.
Identifiers: ClinVar variation 3070856 (VCV003070856.2), dbSNP rs2464599318, ClinGen allele CA422693462.